The following is an entry in ClinVar:

ClinVar aggregate classification (germline): Uncertain significance (1 of 4 stars; one submission).

Conditions:
Hereditary cancer-predisposing syndrome. Also called: Neoplastic Syndromes, Hereditary; Tumor predisposition; Hereditary Cancer Syndrome; Hereditary neoplastic syndrome. Identifiers: Orphanet 140162, MedGen C0027672, MeSH D009386, MONDO:0015356.

gnomAD v4.1: 1 of 1,550,828 alleles (0.000064%); highest among the groups gnomAD compares: Non-Finnish European, 0.000087%; no homozygotes.

Submission:

Ambry Genetics
Classification: Uncertain significance for Hereditary cancer-predisposing syndrome. Last evaluated: 2026-01-23. Review status: criteria provided, single submitter. Criteria: Ambry Variant Classification Scheme 2023. Collection method: clinical testing. Allele origin: germline.
Comment: The p.E1669V variant (also known as c.5006A>T), located in coding exon 34 of the SMARCA4 gene, results from an A to T substitution at nucleotide position 5006. The glutamic acid at codon 1669 is replaced by valine, an amino acid with dissimilar properties. This amino acid position is conserved. In addition, the in silico prediction for this alteration is inconclusive. Based on the available evidence, the clinical significance of this variant remains unclear.

NM_003072.5(SMARCA4):c.4910A>T (p.Glu1637Val)

Gene: SMARCA4 (SWI/SNF related BAF chromatin remodeling complex subunit ATPase 4; plus strand). Cytogenetic location: 19p13.2.
Variant type: single nucleotide variant.
Coding change: c.4910A>T on transcript NM_003072.5 (MANE Select); coding-DNA position 4910, A replaced by T.
Protein change: p.Glu1637Val; replaces glutamic acid 1637 with valine.
Molecular consequence: missense variant. On other transcripts: non-coding transcript variant (1).
Genome position (GRCh38, 1-based): chr19:11,060,186, A>T. VCF-style: chr19-11060186-A-T. GRCh37 (hg19) VCF-style: chr19-11170862-A-T.
Other names: c.4910A>T, p.Glu1637Val (NM_001128844.3); c.4820A>T, p.Glu1607Val (NM_001128845.2); c.4817A>T, p.Glu1606Val (NM_001128846.2); c.4811A>T, p.Glu1604Val (NM_001128847.4, NM_001374457.1); c.4808A>T, p.Glu1603Val (NM_001128848.2); c.5006A>T, p.Glu1669Val (NM_001128849.3, NM_001387283.1); c.4907A>T, p.Glu1636Val (NM_001411150.1); short protein forms E1604V, E1669V, E1603V, E1607V, E1636V, E1637V, E1606V.
Identifiers: ClinVar variation 4840246 (VCV004840246.1).